The following is an entry in ClinVar:

ClinVar aggregate classification (germline): Uncertain significance (1 of 4 stars; one submission).

Allele frequency attached by ClinVar (database versions not stated): gnomAD exomes below 0.00001; ExAC 0.00001; gnomAD 0.00001; TOPMed 0.00001.

Submission:

GeneDx
Classification: Uncertain significance. Last evaluated: 2022-09-07. Review status: criteria provided, single submitter. Criteria: GeneDx Variant Classification Process June 2021. Collection method: clinical testing. Allele origin: germline. Affected: yes.
Comment: In silico analysis supports that this missense variant does not alter protein structure/function; Has not been previously published as pathogenic or benign to our knowledge

NM_004035.7(ACOX1):c.1078G>A (p.Gly360Ser)

Gene: ACOX1 (acyl-CoA oxidase 1; minus strand). Cytogenetic location: 17q25.1.
Variant type: single nucleotide variant.
Coding change: c.1078G>A on transcript NM_004035.7 (MANE Select); coding-DNA position 1078, G replaced by A.
Protein change: p.Gly360Ser; replaces glycine 360 with serine.
Molecular consequence: missense variant.
Genome position (GRCh38, 1-based): chr17:75,951,444, C>T on the plus strand (G>A on the coding strand, the complement: ACOX1 is on the minus strand). VCF-style: chr17-75951444-C-T. GRCh37 (hg19) VCF-style: chr17-73947525-C-T.
Other names: c.1078G>A, p.Gly360Ser (NM_007292.6); c.964G>A, p.Gly322Ser (NM_001185039.2); short protein forms G322S, G360S.
Identifiers: ClinVar variation 2443421 (VCV002443421.1), dbSNP rs750015106, ClinGen allele CA8776852.